The following is an entry in ClinVar:

ClinVar aggregate classification (germline): Uncertain significance (1 of 4 stars; one submission).

Allele frequency attached by ClinVar (database versions not stated): ExAC 0.00001.
gnomAD v4.1: 9 of 1,614,160 alleles (0.00056%); highest among the groups gnomAD compares: Admixed American, 0.013%; no homozygotes.

Submission:

Labcorp Genetics (formerly Invitae), Labcorp
Classification: Uncertain significance. Last evaluated: 2022-05-05. Review status: criteria provided, single submitter. Criteria: Invitae Variant Classification Sherloc (09022015). Collection method: clinical testing. Allele origin: germline.
Comment: This sequence change replaces proline, which is neutral and non-polar, with alanine, which is neutral and non-polar, at codon 482 of the COL27A1 protein (p.Pro482Ala). This variant is present in population databases (rs759321031, gnomAD 0.003%). This variant has not been reported in the literature in individuals affected with COL27A1-related conditions. Advanced modeling of protein sequence and biophysical properties (such as structural, functional, and spatial information, amino acid conservation, physicochemical variation, residue mobility, and thermodynamic stability) performed at Invitae indicates that this missense variant is not expected to disrupt COL27A1 protein function. In summary, the available evidence is currently insufficient to determine the role of this variant in disease. Therefore, it has been classified as a Variant of Uncertain Significance.

NM_032888.4(COL27A1):c.1444C>G (p.Pro482Ala)

Gene: COL27A1 (collagen type XXVII alpha 1 chain; plus strand). Cytogenetic location: 9q32.
Variant type: single nucleotide variant.
Coding change: c.1444C>G on transcript NM_032888.4 (MANE Select); coding-DNA position 1444, C replaced by G.
Protein change: p.Pro482Ala; replaces proline 482 with alanine.
Molecular consequence: missense variant.
Genome position (GRCh38, 1-based): chr9:114,168,999, C>G. VCF-style: chr9-114168999-C-G. GRCh37 (hg19) VCF-style: chr9-116931279-C-G.
Other names: short protein forms P482A.
Identifiers: ClinVar variation 1356026 (VCV001356026.3), dbSNP rs759321031, ClinGen allele CA5201382.
Genomic context (GRCh38, chr9:114,168,999, plus strand): 5'-GCCAAGATAACCAGCCATGCCAGTAAGCCGGCCTCTGCCCGCACCAGCACCCACAAACCT[C>G]CCCCATTTACTGCTTTATCCTCATCTCCTGCCCCTACTCCTGGTTCTACCAGGAGTACTC-3'
Protein context (NP_116277.2, residues 472-492): ASARTSTHKP[Pro482Ala]PFTALSSSPA